The following is an entry in ClinVar:

ClinVar aggregate classification (germline): Benign/Likely benign. Review status: criteria provided, multiple submitters, no conflicts (2 of 4 stars). 3 submissions from 3 submitters: Benign (2); Likely benign (1). Last evaluated 2026-01-28.

Conditions:
Legius syndrome. Identifiers: Orphanet 137605, MedGen C1969623, MONDO:0012669, OMIM 611431. Disease mechanism: loss of function.

Allele frequency attached by ClinVar (database versions not stated): gnomAD 0.00004 and 0.00006; TOPMed 0.00007; ESP Exome Variant Server 0.00008; gnomAD exomes 0.00013 and 0.00026; ExAC 0.00032.
gnomAD v4.1: 196 of 1,565,548 alleles (0.013%); highest among the groups gnomAD compares: South Asian, 0.074%; no homozygotes.

Submissions (3):

Labcorp Genetics (formerly Invitae), Labcorp
Classification: Benign for Legius syndrome. Last evaluated: 2026-01-28. Review status: criteria provided, single submitter. Criteria: Invitae Variant Classification Sherloc (09022015). Collection method: clinical testing. Allele origin: germline.

Blueprint Genetics
Classification: Likely benign. Last evaluated: 2024-06-13. Review status: criteria provided, single submitter. Criteria: ACMG Guidelines, 2015. Collection method: clinical testing. Allele origin: germline.

Women's Health and Genetics/Laboratory Corporation of America, LabCorp
Classification: Benign. Last evaluated: 2020-10-01. Review status: criteria provided, single submitter. Criteria: LabCorp Variant Classification Summary - May 2015. Collection method: clinical testing. Allele origin: germline.
Comment: Variant summary: SPRED1 c.32+20C>T alters a non-conserved nucleotide located close to a canonical splice site and therefore could affect mRNA splicing, leading to a significantly altered protein sequence. 4/4 computational tools predict no significant impact on normal splicing. However, these predictions have yet to be confirmed by functional studies. The variant allele was found at a frequency of 0.00026 in 174256 control chromosomes, predominantly at a frequency of 0.00076 within the South Asian subpopulation in the gnomAD database. The observed variant frequency within South Asian control individuals in the gnomAD database is approximately 135 fold of the estimated maximal expected allele frequency for a pathogenic variant in SPRED1 causing Neurofibromatosis Type 1-Like Syndrome (Legius Syndrome) phenotype (5.6e-06), strongly suggesting that the variant is a benign polymorphism found primarily in populations of South Asian origin. To our knowledge, no occurrence of c.32+20C>T in individuals affected with Neurofibromatosis Type 1-Like Syndrome (Legius Syndrome) and no experimental evidence demonstrating its impact on protein function have been reported. No clinical diagnostic laboratories have submitted clinical-significance assessments for this variant to ClinVar after 2014. Based on the evidence outlined above, the variant was classified as benign.

NM_152594.3(SPRED1):c.32+20C>T

Gene: SPRED1 (sprouty related EVH1 domain containing 1; plus strand). Cytogenetic location: 15q14.
Variant type: single nucleotide variant.
Coding change: c.32+20C>T on transcript NM_152594.3 (MANE Select); 20 bases into the intron after coding-DNA position 32, C replaced by T.
Molecular consequence: intron variant.
Genome position (GRCh38, 1-based): chr15:38,253,237, C>T. VCF-style: chr15-38253237-C-T. GRCh37 (hg19) VCF-style: chr15-38545438-C-T.
Identifiers: ClinVar variation 984457 (VCV000984457.12), dbSNP rs374284804, ClinGen allele CA7469951.